The following is an entry in ClinVar:

ClinVar aggregate classification (germline): Likely benign (0 of 4 stars; one submission).

Conditions:
SEC31A-related disorder. Also called: SEC31A-related condition.

Allele frequency attached by ClinVar (database versions not stated): gnomAD exomes 0.00029; ExAC 0.00101; gnomAD 0.00232; ESP Exome Variant Server 0.00238; TOPMed 0.00268; 1000 Genomes Project 0.00319; 1000 Genomes Project 30x 0.00422.
gnomAD v4.1: 798 of 1,551,340 alleles (0.051%); highest among the groups gnomAD compares: African/African-American, 0.78%; 3 homozygotes.

Submissions (3):

PreventionGenetics, part of Exact Sciences
Classification: Likely benign for SEC31A-related condition. Last evaluated: 2022-02-01. Review status: no assertion criteria provided. Collection method: clinical testing. Allele origin: germline.
Comment: This variant is classified as likely benign based on ACMG/AMP sequence variant interpretation guidelines (Richards et al. 2015 PMID: 25741868, with internal and published modifications).

Dr. Peter K. Rogan Lab, Western University
No classification provided (evidence only). Condition: Colon adenocarcinoma. Review status: no classification provided. Collection method: in vitro. Allele origin: not applicable. Functional consequence: skipped exon, retained intron. Not counted in ClinVar's aggregate classification.

Dr. Peter K. Rogan Lab, Western University
No classification provided (evidence only). Condition: Cervical cancer. Review status: no classification provided. Collection method: in vitro. Allele origin: not applicable. Functional consequence: skipped exon, retained intron. Not counted in ClinVar's aggregate classification.

NM_001077207.4(SEC31A):c.2968+1G>T

Gene: SEC31A (SEC31 homolog A, COPII component; minus strand). Cytogenetic location: 4q21.22.
Variant type: single nucleotide variant.
Coding change: c.2968+1G>T on transcript NM_001077207.4 (MANE Select); the canonical splice donor site of the intron after coding-DNA position 2968, G replaced by T.
Molecular consequence: splice donor variant. On other transcripts: intron variant (27).
Genome position (GRCh38, 1-based): chr4:82,842,139, C>A on the plus strand (G>T on the coding strand, the complement: SEC31A is on the minus strand). VCF-style: chr4-82842139-C-A. GRCh37 (hg19) VCF-style: chr4-83763292-C-A.
Other names: NC_000004.11:g.83763292C>A; c.2968+1G>T (NM_001318120.2, NM_001400164.1, NM_001400157.1 and 4 more transcripts); c.2908+46G>T (NM_001191049.2, NM_001400212.1); c.2923+46G>T (NM_001318119.2, NM_001077208.4, NM_001400208.1 and 3 more transcripts); c.2509+2247G>T (NM_001300744.3, NM_001400223.1); c.2806+46G>T (NM_001300745.3, NM_001400213.1); c.2851+1G>T (NM_016211.5, NM_001400207.1, NM_001400202.1 and 2 more transcripts); c.2626+2247G>T (NM_001077206.4, NM_001400219.1, NM_001400217.1 and 1 more transcripts); and 14 more.
Identifiers: ClinVar variation 3044225 (VCV003044225.3), dbSNP rs78735860, ClinGen allele CA2986152.